The following is an entry in ClinVar:

NM_002691.4(POLD1):c.2250+3C>A

Gene: POLD1 (DNA polymerase delta 1, catalytic subunit; plus strand). Cytogenetic location: 19q13.33.
Variant type: single nucleotide variant.
Coding change: c.2250+3C>A on transcript NM_002691.4 (MANE Select); 3 bases into the intron after coding-DNA position 2250, C replaced by A.
Molecular consequence: intron variant.
Genome position (GRCh38, 1-based): chr19:50,413,524, C>A. VCF-style: chr19-50413524-C-A. GRCh37 (hg19) VCF-style: chr19-50916781-C-A.
Other names: c.2250+3C>A (NM_001256849.1); c.2328+3C>A (NM_001308632.1).
Identifiers: ClinVar variation 2916418 (VCV002916418.3), dbSNP rs779097933, ClinGen allele CA883194916.

ClinVar aggregate classification (germline): Uncertain significance (1 of 4 stars; one submission).

Conditions:
POLD1-related polyposis and colorectal cancer syndrome (CRCS10). Also called: Colorectal cancer 10; COLORECTAL CANCER, SUSCEPTIBILITY TO, ON CHROMOSOME 19q; Colorectal cancer, susceptibility to, 10. Identifiers: Orphanet 220460, MedGen C2675481, MONDO:0012953, OMIM 612591.

Allele frequency attached by ClinVar (database versions not stated): TOPMed below 0.00001.

Submission:

Labcorp Genetics (formerly Invitae), Labcorp
Classification: Uncertain significance for POLD1-related polyposis and colorectal cancer syndrome. Last evaluated: 2023-02-10. Review status: criteria provided, single submitter. Criteria: Invitae Variant Classification Sherloc (09022015). Collection method: clinical testing. Allele origin: germline.
Comment: This variant is not present in population databases (gnomAD no frequency). This sequence change falls in intron 18 of the POLD1 gene. It does not directly change the encoded amino acid sequence of the POLD1 protein. It affects a nucleotide within the consensus splice site. This variant has not been reported in the literature in individuals affected with POLD1-related conditions. In summary, the available evidence is currently insufficient to determine the role of this variant in disease. Therefore, it has been classified as a Variant of Uncertain Significance. Variants that disrupt the consensus splice site are a relatively common cause of aberrant splicing (PMID: 17576681, 9536098). Algorithms developed to predict the effect of sequence changes on RNA splicing suggest that this variant is not likely to affect RNA splicing.

Literature cited by the submitters: PubMed 17576681; PubMed 9536098.